The following is an entry in ClinVar:

ClinVar aggregate classification (germline): Uncertain significance. Review status: criteria provided, multiple submitters, no conflicts (2 of 4 stars). 2 submissions from 2 submitters: Uncertain significance (2). Last evaluated 2025-12-08.

Conditions:
Inborn genetic diseases. Identifiers: MedGen C0950123, MeSH D030342.
Epilepsy. Also called: Seizure disorder. Identifiers: MedGen C0014544, MeSH D004827, MONDO:0005027.

Allele frequency attached by ClinVar (database versions not stated): gnomAD exomes 0.00005 and 0.00008; ESP Exome Variant Server 0.00008; gnomAD 0.00008 and 0.00010; ExAC 0.00010; TOPMed 0.00011; 1000 Genomes Project 30x 0.00016; 1000 Genomes Project 0.00020.
gnomAD v4.1: 126 of 1,552,984 alleles (0.0081%); highest among the groups gnomAD compares: Admixed American, 0.019%; no homozygotes.

Submissions (2):

Labcorp Genetics (formerly Invitae), Labcorp
Classification: Uncertain significance for Epilepsy. Last evaluated: 2025-12-08. Review status: criteria provided, single submitter. Criteria: Invitae Variant Classification Sherloc (09022015). Collection method: clinical testing. Allele origin: germline.
Comment: This sequence change replaces aspartic acid, which is acidic and polar, with asparagine, which is neutral and polar, at codon 307 of the PIGQ protein (p.Asp307Asn). The frequency data for this variant in the population databases is considered unreliable, as metrics indicate poor data quality at this position in the gnomAD database. This variant has not been reported in the literature in individuals affected with PIGQ-related conditions. ClinVar contains an entry for this variant (Variation ID: 578974). An algorithm developed to predict the effect of missense changes on protein structure and function outputs the following: PolyPhen-2: "Benign". The asparagine amino acid residue is found in multiple mammalian species, which suggests that this missense change does not adversely affect protein function. In summary, the available evidence is currently insufficient to determine the role of this variant in disease. Therefore, it has been classified as a Variant of Uncertain Significance.

Ambry Genetics
Classification: Uncertain significance for Inborn genetic diseases. Last evaluated: 2025-05-06. Review status: criteria provided, single submitter. Criteria: Ambry Variant Classification Scheme 2023. Collection method: clinical testing. Allele origin: germline.

NM_004204.5(PIGQ):c.919G>A (p.Asp307Asn)

Gene: PIGQ (phosphatidylinositol glycan anchor biosynthesis class Q; plus strand). Cytogenetic location: 16p13.3.
Variant type: single nucleotide variant.
Coding change: c.919G>A on transcript NM_004204.5 (MANE Select); coding-DNA position 919, G replaced by A.
Protein change: p.Asp307Asn; replaces aspartic acid 307 with asparagine.
Molecular consequence: missense variant.
Genome position (GRCh38, 1-based): chr16:576,231, G>A. VCF-style: chr16-576231-G-A. GRCh37 (hg19) VCF-style: chr16-626231-G-A.
Other names: c.919G>A, p.Asp307Asn (NM_148920.4); c.919G>A (NM_148920.1); short protein forms D307N.
Identifiers: ClinVar variation 578974 (VCV000578974.10), dbSNP rs377584601, ClinGen allele CA7780026.